The following is an entry in ClinVar:

ClinVar aggregate classification (germline): Uncertain significance (1 of 4 stars; one submission).

Conditions:
Primary ciliary dyskinesia. Also called: Ciliary dyskinesia. Identifiers: Orphanet 244, MedGen C0008780, MONDO:0016575, HP:0012265.

Allele frequency attached by ClinVar (database versions not stated): ExAC 0.00001.
gnomAD v4.1: 5 of 1,545,648 alleles (0.00032%); highest among the groups gnomAD compares: East Asian, 0.0023%; no homozygotes.

Submission:

Labcorp Genetics (formerly Invitae), Labcorp
Classification: Uncertain significance for Primary ciliary dyskinesia. Last evaluated: 2019-02-18. Review status: criteria provided, single submitter. Criteria: Invitae Variant Classification Sherloc (09022015). Collection method: clinical testing. Allele origin: germline.
Comment: This sequence change replaces isoleucine with phenylalanine at codon 760 of the DNAH11 protein (p.Ile760Phe). The isoleucine residue is moderately conserved and there is a small physicochemical difference between isoleucine and phenylalanine. This variant is present in population databases (rs768205792, ExAC 0.01%). In summary, the available evidence is currently insufficient to determine the role of this variant in disease. Therefore, it has been classified as a Variant of Uncertain Significance. Algorithms developed to predict the effect of missense changes on protein structure and function are either unavailable or do not agree on the potential impact of this missense change (SIFT: "Deleterious"; PolyPhen-2: "Benign"; Align-GVGD: "Class C0"). This variant has not been reported in the literature in individuals with DNAH11-related conditions.

NM_001277115.2(DNAH11):c.2278A>T (p.Ile760Phe)

Gene: DNAH11 (dynein axonemal heavy chain 11; plus strand). Cytogenetic location: 7p15.3.
Variant type: single nucleotide variant.
Coding change: c.2278A>T on transcript NM_001277115.2 (MANE Select); coding-DNA position 2278, A replaced by T.
Protein change: p.Ile760Phe; replaces isoleucine 760 with phenylalanine.
Molecular consequence: missense variant.
Genome position (GRCh38, 1-based): chr7:21,591,188, A>T. VCF-style: chr7-21591188-A-T. GRCh37 (hg19) VCF-style: chr7-21630806-A-T.
Other names: short protein forms I760F.
Identifiers: ClinVar variation 853365 (VCV000853365.10), dbSNP rs768205792, ClinGen allele CA4179298.